The following is an entry in ClinVar:

ClinVar aggregate classification (germline): Uncertain significance (1 of 4 stars; one submission).

Allele frequency attached by ClinVar (database versions not stated): gnomAD exomes 0.00001 and 0.00002; ExAC 0.00003; gnomAD 0.00006 and 0.00007; TOPMed 0.00006; ESP Exome Variant Server 0.00008.

Submission:

Labcorp Genetics (formerly Invitae), Labcorp
Classification: Uncertain significance. Last evaluated: 2022-04-17. Review status: criteria provided, single submitter. Criteria: Invitae Variant Classification Sherloc (09022015). Collection method: clinical testing. Allele origin: germline.
Comment: This variant is present in population databases (rs371272764, gnomAD 0.03%). This sequence change replaces glycine, which is neutral and non-polar, with alanine, which is neutral and non-polar, at codon 157 of the GUCA1B protein (p.Gly157Ala). This variant has not been reported in the literature in individuals affected with GUCA1B-related conditions. Algorithms developed to predict the effect of missense changes on protein structure and function (SIFT, PolyPhen-2, Align-GVGD) all suggest that this variant is likely to be tolerated. In summary, the available evidence is currently insufficient to determine the role of this variant in disease. Therefore, it has been classified as a Variant of Uncertain Significance.

NM_002098.6(GUCA1B):c.470G>C (p.Gly157Ala)

Gene: GUCA1B (guanylate cyclase activator 1B; minus strand). Cytogenetic location: 6p21.1.
Variant type: single nucleotide variant.
Coding change: c.470G>C on transcript NM_002098.6 (MANE Select); coding-DNA position 470, G replaced by C.
Protein change: p.Gly157Ala; replaces glycine 157 with alanine.
Molecular consequence: missense variant.
Genome position (GRCh38, 1-based): chr6:42,185,685, C>G on the plus strand (G>C on the coding strand, the complement: GUCA1B is on the minus strand). VCF-style: chr6-42185685-C-G. GRCh37 (hg19) VCF-style: chr6-42153423-C-G.
Other names: short protein forms G157A.
Identifiers: ClinVar variation 1470859 (VCV001470859.6), dbSNP rs371272764, ClinGen allele CA3805546.
Genomic context (GRCh38, chr6:42,185,685, plus strand): 5'-GAAAGTGGCGATGATGCAGAGTGGACAGCACTCTCCCCATCTCTGCCCCTCTTACCATCT[C>G]CATTCTCATCCACCAGGAGGAAGATCCTGTCCACGACCTCCTCGGGTGTGAGCAGCTGGC-3'
Protein context (NP_002089.4, residues 147-167): DRIFLLVDEN[Gly157Ala]DGQLSLNEFV